The following is an entry in ClinVar:

NM_002471.4(MYH6):c.3230A>T (p.Gln1077Leu)

Gene: MYH6 (myosin heavy chain 6; minus strand). Cytogenetic location: 14q11.2.
Variant type: single nucleotide variant.
Coding change: c.3230A>T on transcript NM_002471.4 (MANE Select); coding-DNA position 3230, A replaced by T.
Protein change: p.Gln1077Leu; replaces glutamine 1077 with leucine.
Molecular consequence: missense variant.
Genome position (GRCh38, 1-based): chr14:23,392,933, T>A on the plus strand (A>T on the coding strand, the complement: MYH6 is on the minus strand). VCF-style: chr14-23392933-T-A. GRCh37 (hg19) VCF-style: chr14-23862142-T-A.
Other names: short protein forms Q1077L.
Identifiers: ClinVar variation 407141 (VCV000407141.22), dbSNP rs377716628, ClinGen allele CA7115275.

ClinVar aggregate classification (germline): Conflicting classifications of pathogenicity. Review status: criteria provided, conflicting classifications (1 of 4 stars). 6 submissions from 6 submitters: Uncertain significance (3); Likely benign (3). Last evaluated 2026-01-26.

Conditions:
Atrial septal defect 3 (ASD3). Identifiers: Orphanet 1478, MedGen C3279790, MONDO:0013567, OMIM 614089.
Hypertrophic cardiomyopathy 14. Identifiers: MedGen C2750467, MONDO:0013197, OMIM 613251.
Cardiovascular phenotype. Identifiers: MedGen CN230736.

Allele frequency attached by ClinVar (database versions not stated): gnomAD 0.00032 and 0.00029; TOPMed 0.00034; gnomAD exomes 0.00003 and 0.00012; ExAC 0.00011; 1000 Genomes Project 30x 0.00016; 1000 Genomes Project 0.00020; ESP Exome Variant Server 0.00031.

Submissions (6):

Labcorp Genetics (formerly Invitae), Labcorp
Classification: Likely benign for Hypertrophic cardiomyopathy 14. Last evaluated: 2026-01-26. Review status: criteria provided, single submitter. Criteria: Invitae Variant Classification Sherloc (09022015). Collection method: clinical testing. Allele origin: germline.

Women's Health and Genetics/Laboratory Corporation of America, LabCorp
Classification: Likely benign. Last evaluated: 2025-03-07. Review status: criteria provided, single submitter. Criteria: LabCorp Variant Classification Summary - May 2015. Collection method: clinical testing. Allele origin: germline.

Ambry Genetics
Classification: Likely benign for Cardiovascular phenotype. Last evaluated: 2025-01-27. Review status: criteria provided, single submitter. Criteria: Ambry Variant Classification Scheme 2023. Collection method: clinical testing. Allele origin: germline.

GeneDx
Classification: Uncertain significance. Last evaluated: 2024-07-05. Review status: criteria provided, single submitter. Criteria: GeneDx Variant Classification Process June 2021. Collection method: clinical testing. Allele origin: germline. Affected: yes.
Comment: Has not been previously published as pathogenic or benign to our knowledge; In silico analysis supports that this missense variant has a deleterious effect on protein structure/function

Johns Hopkins Genomics, Johns Hopkins University
Classification: Uncertain significance for Atrial septal defect 3. Last evaluated: 2022-12-07. Review status: criteria provided, single submitter. Criteria: ACMG Guidelines, 2015. Collection method: clinical testing. Allele origin: germline.
Comment: This MYH6 variant (rs377716628) has been identified in a large population dataset and the minor allele frequency is neither low enough to consider the variant rare (<0.1%) nor high enough to consider it a population polymorphism (>1%) within the African/African American subpopulation (gnomAD: 32/24972 alleles; 0.13%, no homozygotes). This variant has been previously reported to ClinVar. Two bioinformatic tools queried predict that this substitution would be damaging, and the glutamine residue at this position is strongly conserved across the vertebrate species assessed. Bioinformatic analysis predicts that this missense variant would not affect normal exon 24 splicing, although this has not been confirmed experimentally to our knowledge. Due to insufficient evidence that this variant is deleterious, we consider the clinical significance of c.3230A>T (p.Gln1077Leu) to be uncertain at this time.

Baylor Genetics
Classification: Uncertain significance for Atrial septal defect 3. Last evaluated: 2018-03-27. Review status: criteria provided, single submitter. Criteria: ACMG Guidelines, 2015. Collection method: clinical testing. Allele origin: paternal. Affected: yes.
Comment: This variant was determined to be of uncertain significance according to ACMG Guidelines, 2015 [PMID:25741868].

Literature cited by the submitters: PubMed 15735645 (cited by Johns Hopkins Genomics, Johns Hopkins University); PubMed 20656787 (cited by Johns Hopkins Genomics, Johns Hopkins University); PubMed 22194935 (cited by Johns Hopkins Genomics, Johns Hopkins University).